The following is an entry in ClinVar:

NM_000057.4(BLM):c.4232A>G (p.Lys1411Arg)

Gene: BLM (BLM RecQ like helicase; plus strand). Cytogenetic location: 15q26.1.
Variant type: single nucleotide variant.
Coding change: c.4232A>G on transcript NM_000057.4 (MANE Select); coding-DNA position 4232, A replaced by G.
Protein change: p.Lys1411Arg; replaces lysine 1411 with arginine.
Molecular consequence: missense variant.
Genome position (GRCh38, 1-based): chr15:90,815,257, A>G. VCF-style: chr15-90815257-A-G. GRCh37 (hg19) VCF-style: chr15-91358487-A-G.
Other names: c.4232A>G (NM_000057.2); c.4232A>G, p.Lys1411Arg (NM_001287246.2); c.3839A>G, p.Lys1280Arg (NM_001287247.2); c.3107A>G, p.Lys1036Arg (NM_001287248.2); short protein forms K1411R, K1036R, K1280R.
Identifiers: ClinVar variation 1040506 (VCV001040506.15), dbSNP rs1897532698, ClinGen allele CA393853259.

ClinVar aggregate classification (germline): Conflicting classifications of pathogenicity. Review status: criteria provided, conflicting classifications (1 of 4 stars). 3 submissions from 3 submitters: Uncertain significance (1); Likely benign (1). 1 of the submissions does not count toward it. Last evaluated 2024-10-15.

Conditions:
Hereditary cancer-predisposing syndrome. Also called: Hereditary Cancer Syndrome; Tumor predisposition; Hereditary neoplastic syndrome; Neoplastic Syndromes, Hereditary. Identifiers: Orphanet 140162, MedGen C0027672, MeSH D009386, MONDO:0015356.
Bloom syndrome (BLM). Also called: Bloom-Torre-Machacek syndrome. Identifiers: Orphanet 125, MedGen C0005859, MONDO:0008876, OMIM 210900.

Submissions (3):

Labcorp Genetics (formerly Invitae), Labcorp
Classification: Uncertain significance for Bloom syndrome. Last evaluated: 2024-10-15. Review status: criteria provided, single submitter. Criteria: Invitae Variant Classification Sherloc (09022015). Collection method: clinical testing. Allele origin: germline.
Comment: This sequence change replaces lysine, which is basic and polar, with arginine, which is basic and polar, at codon 1411 of the BLM protein (p.Lys1411Arg). This variant is not present in population databases (gnomAD no frequency). This variant has not been reported in the literature in individuals affected with BLM-related conditions. ClinVar contains an entry for this variant (Variation ID: 1040506). An algorithm developed to predict the effect of missense changes on protein structure and function outputs the following: PolyPhen-2: "Benign". The arginine amino acid residue is found in multiple mammalian species, which suggests that this missense change does not adversely affect protein function. In summary, the available evidence is currently insufficient to determine the role of this variant in disease. Therefore, it has been classified as a Variant of Uncertain Significance.

Ambry Genetics
Classification: Likely benign for Hereditary cancer-predisposing syndrome. Last evaluated: 2021-06-15. Review status: criteria provided, single submitter. Criteria: Ambry Variant Classification Scheme 2023. Collection method: clinical testing. Allele origin: germline.

Natera, Inc.
Classification: Uncertain significance for Bloom syndrome. Last evaluated: 2018-11-02. Review status: no assertion criteria provided. Collection method: clinical testing. Allele origin: germline. Not counted in ClinVar's aggregate classification.